The following is an entry in ClinVar:

ClinVar aggregate classification (germline): Uncertain significance. Review status: criteria provided, multiple submitters, no conflicts (2 of 4 stars). 2 submissions from 2 submitters: Uncertain significance (2). Last evaluated 2023-10-02.

Submissions (2):

Mayo Clinic Laboratories, Mayo Clinic
Classification: Uncertain significance. Last evaluated: 2023-10-02. Review status: criteria provided, single submitter. Criteria: ACMG Guidelines, 2015. Collection method: clinical testing. Allele origin: germline. Observed: 1 variant allele.
Comment: PM2_moderate

ARUP Laboratories, Molecular Genetics and Genomics, ARUP Laboratories
Classification: Uncertain significance. Last evaluated: 2023-08-29. Review status: criteria provided, single submitter. Criteria: ARUP Molecular Germline Variant Investigation Process 2024. Collection method: clinical testing. Allele origin: germline.
Comment: The VWF c.512A>T; p.Asp171Val variant, to the best of our knowledge, is not reported in the medical literature or gene-specific databases. This variant is also absent from the Genome Aggregation Database, indicating that it is not a common polymorphism. Computational analyses are uncertain whether this variant is neutral or deleterious (REVEL: 0.663). Due to limited information, the clinical significance of this variant is uncertain at this time.

NM_000552.5(VWF):c.512A>T (p.Asp171Val)

Gene: VWF (von Willebrand factor; minus strand). Cytogenetic location: 12p13.31.
Variant type: single nucleotide variant.
Coding change: c.512A>T on transcript NM_000552.5 (MANE Select); coding-DNA position 512, A replaced by T.
Protein change: p.Asp171Val; replaces aspartic acid 171 with valine.
Molecular consequence: missense variant.
Genome position (GRCh38, 1-based): chr12:6,110,394, T>A on the plus strand (A>T on the coding strand, the complement: VWF is on the minus strand). VCF-style: chr12-6110394-T-A. GRCh37 (hg19) VCF-style: chr12-6219560-T-A.
Other names: p.Asp171Val; c.512A>T (NM_000552.4); short protein forms D171V.
Identifiers: ClinVar variation 2921037 (VCV002921037.2), dbSNP rs1945294399, ClinGen allele CA383518011.